The following is an entry in ClinVar:

NM_000551.4(VHL):c.340+618T>G

Genes: VHL (von Hippel-Lindau tumor suppressor; plus strand), LOC107303340 (3p25 von Hippel-Lindau tumor suppressor, E3 ubiquitin protein ligase Alu-mediated recombination region; plus strand). Cytogenetic location: 3p25.3.
Variant type: single nucleotide variant.
Coding change: c.340+618T>G on transcript NM_000551.4 (MANE Select); 618 bases into the intron after coding-DNA position 340, T replaced by G.
Molecular consequence: intron variant. On other transcripts: missense variant (1).
Genome position (GRCh38, 1-based): chr3:10,142,805, T>G. VCF-style: chr3-10142805-T-G. GRCh37 (hg19) VCF-style: chr3-10184489-T-G.
Other names: c.383T>G, p.Leu128Arg (NM_001354723.2); c.340+618T>G (NM_198156.3); short protein forms L128R.
Identifiers: ClinVar variation 1006425 (VCV001006425.11), dbSNP rs1379155896, ClinGen allele CA540875884.

ClinVar aggregate classification (germline): Uncertain significance (1 of 4 stars; one submission).

Conditions:
Chuvash polycythemia. Also called: POLYCYTHEMIA, VHL-DEPENDENT. Identifiers: Orphanet 238557, MedGen C1837915, MONDO:0009892, OMIM 263400.
Von Hippel-Lindau syndrome (VHLS). Also called: von Hippel–Lindau syndrome; Von Hippel-Lindau; VHL syndrome. Identifiers: Orphanet 892, MedGen C0019562, MONDO:0008667, OMIM 193300. Disease mechanism: loss of function.

Allele frequency attached by ClinVar (database versions not stated): gnomAD 0.00001.
gnomAD v4.1: 1 of 152,720 alleles (0.00065%); highest among the groups gnomAD compares: African/African-American, 0.0024%; no homozygotes.

Submission:

Labcorp Genetics (formerly Invitae), Labcorp
Classification: Uncertain significance for Von Hippel-Lindau syndrome; Chuvash polycythemia. Last evaluated: 2020-01-08. Review status: criteria provided, single submitter. Criteria: Invitae Variant Classification Sherloc (09022015). Collection method: clinical testing. Allele origin: germline.
Comment: In summary, the available evidence is currently insufficient to determine the role of this variant in disease. Therefore, it has been classified as a Variant of Uncertain Significance. Experimental studies and prediction algorithms are not available or were not evaluated, and the functional significance of this variant is currently unknown. This variant has not been reported in the literature in individuals with VHL-related conditions. The frequency data for this variant in the population databases is considered unreliable, as metrics indicate insufficient coverage at this position in the ExAC database. This sequence change falls in intron 1 of the VHL gene. It is not expected to change the encoded amino acid sequence of the VHL protein. However, this sequence change falls within a cryptic exon in the VHL gene, known as exon E1’, which is naturally expressed at low levels in several human tissues (PMID: 29891534).

Literature cited by the submitters: PubMed 29891534.